The following is an entry in ClinVar:

ClinVar aggregate classification (germline): Pathogenic. Review status: criteria provided, multiple submitters, no conflicts (2 of 4 stars). 2 submissions from 2 submitters: Pathogenic (2). Last evaluated 2024-06-12.

Conditions:
Hereditary cancer-predisposing syndrome. Also called: Neoplastic Syndromes, Hereditary; Hereditary Cancer Syndrome; Tumor predisposition; Hereditary neoplastic syndrome. Identifiers: Orphanet 140162, MedGen C0027672, MeSH D009386, MONDO:0015356.
Lynch syndrome. Identifiers: Orphanet 144, MedGen C4552100, MONDO:0005835. Disease mechanism: loss of function.

Submissions (2):

Color Diagnostics, LLC DBA Color Health
Classification: Pathogenic for Hereditary cancer-predisposing syndrome. Last evaluated: 2024-06-12. Review status: criteria provided, single submitter. Criteria: ACMG Guidelines, 2015. Collection method: clinical testing. Allele origin: germline.
Comment: This variant deletes 28 nucleotides in exon 4 of the MSH6 gene, creating a frameshift and premature translation stop signal. This variant is expected to result in an absent or non-functional protein product. To our knowledge, this variant has not been reported in individuals affected with MSH6-related disorders in the literature. This variant has not been identified in the general population by the Genome Aggregation Database (gnomAD). Loss of MSH6 function is a known mechanism of disease. Based on the available evidence, this variant is classified as Pathogenic.

All of Us Research Program, National Institutes of Health
Classification: Pathogenic for Lynch syndrome. Last evaluated: 2024-03-28. Review status: criteria provided, single submitter. Criteria: ACMG Guidelines, 2015. Collection method: clinical testing. Allele origin: germline. Inheritance: Autosomal dominant inheritance. Observed: 1 variant allele, 1 heterozygote.
Comment: The c.2953_2980del variant in the MSH6 gene is located on the exon 4 and is predicted to shift the reading frame such that it introduces a premature translation termination codon (p.Phe985Thrfs*3), resulting in an absent or disrupted protein product. Numerous loss-of-function variants located upstream and downstream to this position in the same exon (e.g., p.Tyr977*, p.Arg1005*) have been interpreted as pathogenic by the expert panel (ClinVar ID: 89323, 89330). Loss-of-function variants of MSH6 are known to be pathogenic (PMID: 30376427, 18269114, 29345684). This variant has not been reported in ClinVar. The variant is absent in the general population database (gnomAD). Therefore, the c.2953_2980del (p.Phe985Thrfs*3) variant in the MSH6 gene has been classified as pathogenic.

This study involves interpretation of variants in research participants for the purpose of population health screening. Participant phenotype was not available at the time of variant classification. Additional details can be found in publication PMID: 35346344, PMCID: PMC8962531

Literature cited by the submitters: PubMed 18269114 (cited by All of Us Research Program, National Institutes of Health); PubMed 29345684 (cited by All of Us Research Program, National Institutes of Health); PubMed 30376427 (cited by All of Us Research Program, National Institutes of Health).

NM_000179.3(MSH6):c.2953_2980del (p.Phe985fs)

Gene: MSH6 (mutS homolog 6; plus strand). Cytogenetic location: 2p16.3.
Variant type: Deletion.
Coding change: c.2953_2980del on transcript NM_000179.3 (MANE Select); coding-DNA positions 2953 to 2980, 28 bases deleted (TTCACCACTCGCAATTTGCCAGAAGAAT).
Protein change: p.Phe985fs; shifts the reading frame from phenylalanine 985.
Molecular consequence: frameshift variant. On other transcripts: non-coding transcript variant (5), intron variant (2).
Genome position (GRCh38, 1-based): chr2:47,800,936-47,800,963, TTCACCACTCGCAATTTGCCAGAAGAAT deleted; deleting any 28 consecutive bases within chr2:47,800,931-47,800,963 gives the same sequence; the c. name uses the placement nearest the transcript's 3' end. VCF-style (leftmost placement, unchanged base first): chr2-47800930-GAGAATTTCACCACTCGCAATTTGCCAGA-G. GRCh37 (hg19) VCF-style: chr2-48028069-GAGAATTTCACCACTCGCAATTTGCCAGA-G.
Other names: c.2563_2590del, p.Phe855fs (NM_001281492.2); c.2047_2074del, p.Phe683fs (NM_001281493.2, NM_001281494.2, NM_001406811.1 and 6 more transcripts); c.3049_3076del, p.Phe1017fs (NM_001406795.1, NM_001406802.1); c.2953_2980del, p.Phe985fs (NM_001406796.1, NM_001406798.1, NM_001406800.1 and 2 more transcripts); c.2656_2683del, p.Phe886fs (NM_001406797.1, NM_001406801.1, NM_001406805.1 and 10 more transcripts); c.2428_2455del, p.Phe810fs (NM_001406799.1, NM_001406806.1, NM_001406807.1); c.2875_2902del, p.Phe959fs (NM_001406804.1); c.2959_2986del, p.Phe987fs (NM_001406813.1); and 4 more; short protein forms F1017fs, F300fs, F683fs, F810fs, F855fs, F886fs, F929fs, F959fs.
Identifiers: ClinVar variation 3387068 (VCV003387068.2).
Genomic context (GRCh38, chr2:47,800,930, plus strand): 5'-GGCTGTAGGACCATAGTCTATTGGGGGATTGGTAGGAACCGTTACCAGCTGGAAATTCCT[GAGAATTTCACCACTCGCAATTTGCCAGA>G]AGAATACGAGTTGAAATCTACCAAGAAGGGCTGTAAACGATACTGGACCAAAACTATTGA-3'